The following is an entry in ClinVar:

ClinVar aggregate classification (germline): Benign (1 of 4 stars; one submission).

Submission:

CeGaT Center for Human Genetics Tuebingen
Classification: Benign. Last evaluated: 2023-02-01. Review status: criteria provided, single submitter. Criteria: CeGaT Center For Human Genetics Tuebingen Variant Classification Criteria Version 2. Collection method: clinical testing. Allele origin: germline. Affected: yes. Observed: 2 variant alleles.
Comment: DIAPH1: BS1, BS2

NM_005219.5(DIAPH1):c.*1765_*1766dup

Gene: DIAPH1 (diaphanous related formin 1; minus strand). Cytogenetic location: 5q31.3.
Variant type: Duplication.
Coding change: c.*1765_*1766dup on transcript NM_005219.5 (MANE Select); 1765 bases downstream of the stop codon through 1766 bases downstream of the stop codon, 2 bases duplicated (CT; older notation c.*1765_*1766dupCT).
Molecular consequence: 3 prime UTR variant.
Genome position (GRCh38, 1-based): chr5:141,515,085-141,515,086, AG duplicated on the plus strand (CT on the coding strand, the reverse complement: DIAPH1 is on the minus strand); duplicating any 2 consecutive bases within chr5:141,515,085-141,515,087 gives the same sequence; the c. name uses the placement nearest the transcript's 3' end. VCF-style (leftmost placement, unchanged base first): chr5-141515084-C-CAG. GRCh37 (hg19) VCF-style: chr5-140894651-C-CAG.
Other names: c.*1765_*1766dup (NM_001079812.3); c.*1884_*1885dup (NM_001314007.2).
Identifiers: ClinVar variation 351253 (VCV000351253.29), dbSNP rs539203577, ClinGen allele CA10622878.